The following is an entry in ClinVar:

NM_006031.6(PCNT):c.5554A>G (p.Met1852Val)

Gene: PCNT (pericentrin; plus strand). Cytogenetic location: 21q22.3.
Variant type: single nucleotide variant.
Coding change: c.5554A>G on transcript NM_006031.6 (MANE Select); coding-DNA position 5554, A replaced by G.
Protein change: p.Met1852Val; replaces methionine 1852 with valine.
Molecular consequence: missense variant.
Genome position (GRCh38, 1-based): chr21:46,411,627, A>G. VCF-style: chr21-46411627-A-G. GRCh37 (hg19) VCF-style: chr21-47831541-A-G.
Other names: c.5200A>G, p.Met1734Val (NM_001315529.2); short protein forms M1852V, M1734V.
Identifiers: ClinVar variation 340502 (VCV000340502.15), dbSNP rs142080697, ClinGen allele CA10080022.

ClinVar aggregate classification (germline): Conflicting classifications of pathogenicity. Review status: criteria provided, conflicting classifications (1 of 4 stars). 4 submissions from 4 submitters: Uncertain significance (2); Likely benign (1). 1 of the submissions does not count toward it. Last evaluated 2025-08-27.

Conditions:
Microcephalic osteodysplastic primordial dwarfism type II (MOPD2). Also called: Microcephalic osteodysplastic primordial dwarfism with tooth abnormalities; MOPD II; OSTEODYSPLASTIC PRIMORDIAL DWARFISM, TYPE II. Identifiers: Orphanet 2637, MedGen C0432246, MONDO:0008872, OMIM 210720.
PCNT-related disorder. Also called: PCNT-related condition.
Inborn genetic diseases. Identifiers: MedGen C0950123, MeSH D030342.

Allele frequency attached by ClinVar (database versions not stated): TOPMed 0.00015; ExAC 0.00019; gnomAD 0.00021 and 0.00023; ESP Exome Variant Server 0.00023; gnomAD exomes 0.00025.

Submissions (4):

Labcorp Genetics (formerly Invitae), Labcorp
Classification: Likely benign. Last evaluated: 2025-08-27. Review status: criteria provided, single submitter. Criteria: Invitae Variant Classification Sherloc (09022015). Collection method: clinical testing. Allele origin: germline.

Ambry Genetics
Classification: Uncertain significance for Inborn genetic diseases. Last evaluated: 2021-07-14. Review status: criteria provided, single submitter. Criteria: Ambry Variant Classification Scheme 2023. Collection method: clinical testing. Allele origin: germline.

Illumina Laboratory Services, Illumina
Classification: Uncertain significance for Microcephalic osteodysplastic primordial dwarfism type II. Last evaluated: 2018-01-13. Review status: criteria provided, single submitter. Criteria: ICSL Variant Classification Criteria 13 December 2019. Collection method: clinical testing. Allele origin: germline.

PreventionGenetics, part of Exact Sciences
Classification: Likely benign for PCNT-related condition. Last evaluated: 2022-01-09. Review status: no assertion criteria provided. Collection method: clinical testing. Allele origin: germline. Not counted in ClinVar's aggregate classification.
Comment: This variant is classified as likely benign based on ACMG/AMP sequence variant interpretation guidelines (Richards et al. 2015 PMID: 25741868, with internal and published modifications).